The following is an entry in ClinVar:

NM_032383.5(HPS3):c.793dup (p.Ser265fs)

Gene: HPS3 (HPS3 biogenesis of lysosomal organelles complex 2 subunit 1; plus strand). Cytogenetic location: 3q24.
Variant type: Duplication.
Coding change: c.793dup on transcript NM_032383.5 (MANE Select); coding-DNA position 793, one base duplicated (A; older notation c.793dupA).
Protein change: p.Ser265fs; shifts the reading frame from serine 265.
Molecular consequence: frameshift variant.
Genome position (GRCh38, 1-based): chr3:149,141,097, A duplicated; the last of 6 consecutive A bases (chr3:149,141,092-149,141,097); duplicating any one gives the same sequence. VCF-style (leftmost placement, unchanged base first): chr3-149141091-G-GA. GRCh37 (hg19) VCF-style: chr3-148858878-G-GA.
Other names: c.298dup, p.Ser100fs (NM_001308258.2); short protein forms S265fs, S100fs.
Identifiers: ClinVar variation 2694248 (VCV002694248.3), dbSNP rs2108129931, ClinGen allele CA2668133722.

ClinVar aggregate classification (germline): Pathogenic (1 of 4 stars; one submission).

Submission:

Labcorp Genetics (formerly Invitae), Labcorp
Classification: Pathogenic. Last evaluated: 2023-11-07. Review status: criteria provided, single submitter. Criteria: Invitae Variant Classification Sherloc (09022015). Collection method: clinical testing. Allele origin: germline.
Comment: This sequence change creates a premature translational stop signal (p.Ser265Lysfs*2) in the HPS3 gene. It is expected to result in an absent or disrupted protein product. Loss-of-function variants in HPS3 are known to be pathogenic (PMID: 11590544). This variant is not present in population databases (gnomAD no frequency). This variant has not been reported in the literature in individuals affected with HPS3-related conditions. For these reasons, this variant has been classified as Pathogenic.

Literature cited by the submitters: PubMed 11590544.